The following is an entry in ClinVar:

NM_001270.4(CHD1):c.4120A>G (p.Lys1374Glu)

Gene: CHD1 (chromodomain helicase DNA binding protein 1; minus strand). Cytogenetic location: 5q15.
Variant type: single nucleotide variant.
Coding change: c.4120A>G on transcript NM_001270.4 (MANE Select); coding-DNA position 4120, A replaced by G.
Protein change: p.Lys1374Glu; replaces lysine 1374 with glutamic acid.
Molecular consequence: missense variant. On other transcripts: non-coding transcript variant (2).
Genome position (GRCh38, 1-based): chr5:98,868,623, T>C on the plus strand (A>G on the coding strand, the complement: CHD1 is on the minus strand). VCF-style: chr5-98868623-T-C. GRCh37 (hg19) VCF-style: chr5-98204327-T-C.
Other names: c.4384A>G, p.Lys1462Glu (NM_001364113.3); c.4120A>G, p.Lys1374Glu (NM_001376194.2); short protein forms K1374E, K1462E.
Identifiers: ClinVar variation 5020285 (VCV005020285.1).

ClinVar aggregate classification (germline): Uncertain significance (1 of 4 stars; one submission).

gnomAD v4.1: 5 of 1,580,704 alleles (0.00032%); highest among the groups gnomAD compares: Non-Finnish European, 0.00043%; no homozygotes.

Submission:

Dasa
Classification: Uncertain significance. Last evaluated: 2026-06-29. Review status: criteria provided, single submitter. Criteria: DASA Assertion Criteria. Collection method: clinical testing. Allele origin: germline.
Comment: NM_001270.4(CHD1):c.4120A>G (p.Lys1374Glu) is a missense variant that results in the substitution of lysine with glutamic acid. This variant is rare in population databases. The currently available literature and clinical evidence are not sufficient to establish a definitive association between this variant and the reported condition. Therefore, this variant is classified as a variant of uncertain significance.